The following is an entry in ClinVar:

ClinVar aggregate classification (germline): Uncertain significance (1 of 4 stars; one submission).

Submission:

Greenwood Genetic Center Diagnostic Laboratories, Greenwood Genetic Center
Classification: Uncertain significance. Last evaluated: 2023-04-06. Review status: criteria provided, single submitter. Criteria: ACMG Guidelines, 2015. Collection method: clinical testing. Allele origin: germline. Affected: yes.
Comment: Gene of Uncertain Significance

NM_024165.3(PHF1):c.562T>C (p.Tyr188His)

Gene: PHF1 (PHD finger protein 1; plus strand). Cytogenetic location: 6p21.32.
Variant type: single nucleotide variant.
Coding change: c.562T>C on transcript NM_024165.3 (MANE Select); coding-DNA position 562, T replaced by C.
Protein change: p.Tyr188His; replaces tyrosine 188 with histidine.
Molecular consequence: missense variant. On other transcripts: non-coding transcript variant (1).
Genome position (GRCh38, 1-based): chr6:33,413,532, T>C. VCF-style: chr6-33413532-T-C. GRCh37 (hg19) VCF-style: chr6-33381309-T-C.
Other names: c.562T>C, p.Tyr188His (NM_002636.5); short protein forms Y188H.
Identifiers: ClinVar variation 2572249 (VCV002572249.1), dbSNP rs2537186137, ClinGen allele CA363667375.